The following is an entry in ClinVar:

ClinVar aggregate classification (germline): Benign/Likely benign. Review status: criteria provided, multiple submitters, no conflicts (2 of 4 stars). 18 submissions from 18 submitters: Benign (11); Likely benign (3). 4 of the submissions do not count toward it. Last evaluated 2026-09-01.

Conditions:
Mitochondrial neurogastrointestinal encephalomyopathy. Also called: MNGIE syndrome; Thymidine phosphorylase deficiency; Mitochondrial neurogastrointestinal encephalopathy syndrome. Identifiers: Orphanet 298, MedGen C0872218, MONDO:0017575.
Mitochondrial DNA depletion syndrome 1. Also called: Mitochondrial Neurogastrointestinal Encephalopathy Disease; MITOCHONDRIAL NEUROGASTROINTESTINAL ENCEPHALOPATHY SYNDROME, TYMP-RELATED; MNGIE, TYMP-RELATED; Mitochondrial DNA Depletion Syndrome, MNGIE Form; Mitochondrial DNA depletion syndrome 1 (MNGIE type); Mitochondrial neurogastrointestinal encephalomyopathy syndrome. Identifiers: Orphanet 298, MedGen C4551995, MONDO:0011283, OMIM 603041.

Submissions (18):

CeGaT Center for Human Genetics Tuebingen
Classification: Benign. Last evaluated: 2026-09-01. Review status: criteria provided, single submitter. Criteria: CeGaT Center For Human Genetics Tuebingen Variant Classification Criteria Version 2. Collection method: clinical testing. Allele origin: germline. Affected: yes. Observed: 57 variant alleles.
Comment: TYMP: BS1, BS2

Labcorp Genetics (formerly Invitae), Labcorp
Classification: Benign. Last evaluated: 2026-02-04. Review status: criteria provided, single submitter. Criteria: Invitae Variant Classification Sherloc (09022015). Collection method: clinical testing. Allele origin: germline.

Dasa
Classification: Benign. Last evaluated: 2025-09-22. Review status: criteria provided, single submitter. Criteria: DASA Assertion Criteria. Collection method: clinical testing. Allele origin: germline.
Comment: NM_001953.5(TYMP):c.929-6_929-3del is a splice-region variant. Population frequency is inconsistent with a disease-causing role for this variant, and observations in unaffected individuals support a benign interpretation. Therefore, based on the currently available evidence, this variant is classified as benign.

Laboratory of Genetics, Children's Clinical University Hospital Latvia
Classification: Likely benign. Last evaluated: 2025-02-16. Review status: criteria provided, single submitter. Criteria: ACMG Guidelines, 2015. Collection method: clinical testing. Allele origin: germline. Affected: yes.

Blueprint Genetics
Classification: Likely benign. Last evaluated: 2024-11-28. Review status: criteria provided, single submitter. Criteria: ACMG Guidelines, 2015. Collection method: clinical testing. Allele origin: germline.

ARUP Laboratories, Molecular Genetics and Genomics, ARUP Laboratories
Classification: Benign for Mitochondrial DNA depletion syndrome 1. Last evaluated: 2023-09-13. Review status: criteria provided, single submitter. Criteria: ARUP Molecular Germline Variant Investigation Process 2024. Collection method: clinical testing. Allele origin: germline.

Molecular Genetics, Royal Melbourne Hospital
Classification: Benign for Mitochondrial DNA depletion syndrome 1. Last evaluated: 2023-05-04. Review status: criteria provided, single submitter. Criteria: ACMG Guidelines, 2015. Collection method: clinical testing. Allele origin: germline. Affected: yes.
Comment: European Non-Finnish population allele frequency is 1.460% (rs201685922, 1045/67956 alleles, 12 homozygotes in gnomAD v3.1). Based on the classification scheme RMH Modified ACMG/AMP Guidelines v1.5.1, this variant is classified as BENIGN. Following criteria are met: BA1

Department of Pathology and Laboratory Medicine, Sinai Health System
Classification: Likely benign for Mitochondrial DNA depletion syndrome 1. Last evaluated: 2023-04-22. Review status: criteria provided, single submitter. Criteria: ACMG Guidelines, 2015. Collection method: research. Allele origin: germline.

Women's Health and Genetics/Laboratory Corporation of America, LabCorp
Classification: Benign. Last evaluated: 2023-02-17. Review status: criteria provided, single submitter. Criteria: LabCorp Variant Classification Summary - May 2015. Collection method: clinical testing. Allele origin: germline.
Comment: Variant summary: TYMP c.929-6_929-3delCCGC alters a nucleotide located close to a canonical splice site and therefore could affect mRNA splicing, leading to a significantly altered protein sequence. 4/4 computational tools predict no significant impact on normal splicing. However, these predictions have yet to be confirmed by functional studies. The variant allele was found at a frequency of 0.012 in 150776 control chromosomes in the gnomAD database, including 19 homozygotes. The observed variant frequency is approximately 11-fold of the estimated maximal expected allele frequency for a pathogenic variant in TYMP causing Mitochondrial DNA Depletion Syndrome 1 (MNGIE type) phenotype (0.0011), strongly suggesting that the variant is benign. ClinVar submitters (evaluation after 2014) cite the variant as benign/likely benign (n=9), as uncertain significance (n=1) and as pathogenic (n=1). Based on the evidence outlined above, the variant was classified as benign.

Mendelics
Classification: Benign for Mitochondrial DNA depletion syndrome 1. Last evaluated: 2019-05-28. Review status: criteria provided, single submitter. Criteria: Mendelics Assertion Criteria 2017. Collection method: clinical testing. Allele origin: unknown.

Mayo Clinic Laboratories, Mayo Clinic
Classification: Benign. Last evaluated: 2018-04-18. Review status: criteria provided, single submitter. Criteria: ACMG Guidelines, 2015. Collection method: clinical testing. Allele origin: germline. Observed: 55 variant alleles.

PreventionGenetics, part of Exact Sciences
Classification: Benign. Last evaluated: 2016-02-19. Review status: criteria provided, single submitter. Criteria: ACMG Guidelines, 2015. Collection method: clinical testing. Allele origin: germline.

Center for Pediatric Genomic Medicine, Children's Mercy Hospital and Clinics
Classification: Benign. Last evaluated: 2015-08-19. Review status: criteria provided, single submitter. Criteria: ACMG Guidelines, 2015. Collection method: clinical testing. Allele origin: germline.

GeneDx
Classification: Benign. Last evaluated: 2014-01-07. Review status: criteria provided, single submitter. Criteria: GeneDx Variant Classification (06012015). Collection method: clinical testing. Allele origin: germline. Affected: yes.
Comment: The variant is found in MITONUC-MITOP,MITO24,DEPLTN-MITOP panel(s).

Natera, Inc.
Classification: Benign for Mitochondrial neurogastrointestinal encephalomyopathy. Last evaluated: 2019-12-26. Review status: no assertion criteria provided. Collection method: clinical testing. Allele origin: germline. Not counted in ClinVar's aggregate classification.

Counsyl
Classification: Likely benign for Mitochondrial DNA depletion syndrome 1. Last evaluated: 2017-03-06. Review status: no assertion criteria provided. Collection method: clinical testing. Allele origin: unknown. Not counted in ClinVar's aggregate classification.

GeneReviews
Classification: Pathogenic for Mitochondrial DNA depletion syndrome 1. Last evaluated: 2016-01-14. Review status: flagged submission. Collection method: literature only. Allele origin: germline. Affected: yes. Not counted in ClinVar's aggregate classification.
ClinVar note: Reason: Outlier claim with insufficient supporting evidence

Genomic Diagnostic Laboratory, Division of Genomic Diagnostics, Children's Hospital of Philadelphia
Classification: Uncertain significance. Last evaluated: 2015-10-16. Review status: flagged submission. Criteria: DGD Variant Analysis Guidelines. Collection method: clinical testing. Allele origin: unknown. Not counted in ClinVar's aggregate classification.
ClinVar note: Reason: Outlier claim with insufficient supporting evidence

Literature cited by the submitters: PubMed 10852545 (cited by Counsyl and GeneReviews).

NM_001953.4(TYMP):c.929-6_929-3del

Genes: TYMP (thymidine phosphorylase; minus strand), LOC130067862 (ATAC-STARR-seq lymphoblastoid silent region 13986; plus strand). Cytogenetic location: 22q13.33.
Variant type: Microsatellite.
Coding change: c.929-6_929-3del on transcript NM_001953.4; 6 bases into the intron before coding-DNA position 929 through 3 bases into the intron before coding-DNA position 929, 4 bases deleted (CCGC; older notation c.929-6_929-3delCCGC).
Molecular consequence: intron variant (on NM_001953.5).
Genome position (GRCh38, 1-based): chr22:50,526,479-50,526,482, GCGG deleted on the plus strand (CCGC on the coding strand, the reverse complement: TYMP is on the minus strand); deleting any 4 consecutive bases within chr22:50,526,479-50,526,487 gives the same sequence; the c. name uses the placement nearest the transcript's 3' end. VCF-style (leftmost placement, unchanged base first): chr22-50526478-TGCGG-T. GRCh37 (hg19) VCF-style: chr22-50964907-TGCGG-T.
Other names: p.?; c.929-6_929-3del (NM_001257989.1, NM_001257988.1, NM_001953.5 and 2 more transcripts); c.929-6_929-3delCCGC (NM_001953.5, NM_001257989.1).
Identifiers: ClinVar variation 215324 (VCV000215324.62), dbSNP rs201685922, ClinGen allele CA324652.